The following is an entry in ClinVar:

ClinVar aggregate classification (germline): Conflicting classifications of pathogenicity. Review status: criteria provided, conflicting classifications (1 of 4 stars). 2 submissions from 2 submitters: Uncertain significance (1); Likely benign (1). Last evaluated 2025-11-26.

Conditions:
Cardiovascular phenotype. Identifiers: MedGen CN230736.

Allele frequency attached by ClinVar (database versions not stated): gnomAD exomes below 0.00001 and 0.00002; ExAC 0.00001.
gnomAD v4.1: 26 of 1,614,150 alleles (0.0016%); highest among the groups gnomAD compares: Non-Finnish European, 0.0021%; no homozygotes.

Submissions (2):

Ambry Genetics
Classification: Likely benign for Cardiovascular phenotype. Last evaluated: 2025-11-26. Review status: criteria provided, single submitter. Criteria: Ambry Variant Classification Scheme 2023. Collection method: clinical testing. Allele origin: germline.

GeneDx
Classification: Uncertain significance. Last evaluated: 2021-06-09. Review status: criteria provided, single submitter. Criteria: GeneDx Variant Classification Process June 2021. Collection method: clinical testing. Allele origin: germline. Affected: yes.
Comment: Not observed at significant frequency in large population cohorts (Lek et al., 2016); In silico analysis supports that this missense variant does not alter protein structure/function; Has not been previously published as pathogenic or benign to our knowledge; This variant is associated with the following publications: (PMID: 27535533)

NM_001378454.1(ALMS1):c.8672G>A (p.Ser2891Asn)

Gene: ALMS1 (ALMS1 centrosome and basal body associated protein; plus strand). Cytogenetic location: 2p13.1.
Variant type: single nucleotide variant.
Coding change: c.8672G>A on transcript NM_001378454.1 (MANE Select); coding-DNA position 8672, G replaced by A.
Protein change: p.Ser2891Asn; replaces serine 2891 with asparagine.
Molecular consequence: missense variant.
Genome position (GRCh38, 1-based): chr2:73,490,631, G>A. VCF-style: chr2-73490631-G-A. GRCh37 (hg19) VCF-style: chr2-73717758-G-A.
Other names: c.8675G>A, p.Ser2892Asn (NM_015120.4); short protein forms S2891N, S2892N.
Identifiers: ClinVar variation 1327809 (VCV001327809.5), dbSNP rs756101133, ClinGen allele CA1714516.